The following is an entry in ClinVar:

NM_178452.6(DNAAF1):c.1465G>A (p.Glu489Lys)

Gene: DNAAF1 (dynein axonemal assembly factor 1; plus strand). Cytogenetic location: 16q24.1.
Variant type: single nucleotide variant.
Coding change: c.1465G>A on transcript NM_178452.6 (MANE Select); coding-DNA position 1465, G replaced by A.
Protein change: p.Glu489Lys; replaces glutamic acid 489 with lysine.
Molecular consequence: missense variant.
Genome position (GRCh38, 1-based): chr16:84,170,293, G>A. VCF-style: chr16-84170293-G-A. GRCh37 (hg19) VCF-style: chr16-84203899-G-A.
Other names: c.757G>A, p.Glu253Lys (NM_001318756.1); short protein forms E253K, E489K.
Identifiers: ClinVar variation 1773240 (VCV001773240.2), dbSNP rs769802996, ClinGen allele CA8202865.

ClinVar aggregate classification (germline): Uncertain significance (1 of 4 stars; one submission).

Conditions:
Primary ciliary dyskinesia. Also called: Ciliary dyskinesia. Identifiers: Orphanet 244, MedGen C0008780, MONDO:0016575, HP:0012265.

Allele frequency attached by ClinVar (database versions not stated): gnomAD 0.00001; TOPMed 0.00002; ExAC 0.00003.
gnomAD v4.1: 52 of 1,612,298 alleles (0.0032%); highest among the groups gnomAD compares: Non-Finnish European, 0.0042%; no homozygotes.

Submission:

Ambry Genetics
Classification: Uncertain significance for Primary ciliary dyskinesia. Last evaluated: 2022-08-29. Review status: criteria provided, single submitter. Criteria: Ambry Variant Classification Scheme 2023. Collection method: clinical testing. Allele origin: germline.
Comment: The p.E489K variant (also known as c.1465G>A), located in coding exon 8 of the DNAAF1 gene, results from a G to A substitution at nucleotide position 1465. The glutamic acid at codon 489 is replaced by lysine, an amino acid with similar properties. This amino acid position is conserved. In addition, this alteration is predicted to be tolerated by in silico analysis. Since supporting evidence is limited at this time, the clinical significance of this alteration remains unclear.